The following is an entry in ClinVar:

ClinVar aggregate classification (germline): Benign. Review status: criteria provided, multiple submitters, no conflicts (2 of 4 stars). 5 submissions from 5 submitters: Benign (5). Last evaluated 2026-02-03.

Conditions:
Myopia, high, with cataract and vitreoretinal degeneration (MCVD). Identifiers: MedGen C3280346, MONDO:0013670, OMIM 614292.

Allele frequency attached by ClinVar (database versions not stated): ESP Exome Variant Server 0.27764; TOPMed 0.28691; gnomAD 0.29539 and 0.30032; 1000 Genomes Project 30x 0.31918; 1000 Genomes Project 0.32089; gnomAD exomes 0.32330 and 0.33523; ExAC 0.33526.
gnomAD v4.1: 517,608 of 1,613,294 alleles (32%); highest among the groups gnomAD compares: East Asian, 48%; 85,355 homozygotes.

Submissions (5):

Labcorp Genetics (formerly Invitae), Labcorp
Classification: Benign. Last evaluated: 2026-02-03. Review status: criteria provided, single submitter. Criteria: Invitae Variant Classification Sherloc (09022015). Collection method: clinical testing. Allele origin: germline.

Blueprint Genetics
Classification: Benign. Last evaluated: 2024-11-27. Review status: criteria provided, single submitter. Criteria: ACMG Guidelines, 2015. Collection method: clinical testing. Allele origin: germline.

Genome-Nilou Lab
Classification: Benign for Myopia, high, with cataract and vitreoretinal degeneration. Last evaluated: 2021-08-19. Review status: criteria provided, single submitter. Criteria: ACMG Guidelines, 2015. Collection method: clinical testing. Allele origin: germline. Affected: no.

GeneDx
Classification: Benign. Last evaluated: 2018-04-12. Review status: criteria provided, single submitter. Criteria: GeneDx Variant Classification (06012015). Collection method: clinical testing. Allele origin: germline. Affected: yes.
Comment: This variant is considered likely benign or benign based on one or more of the following criteria: it is a conservative change, it occurs at a poorly conserved position in the protein, it is predicted to be benign by multiple in silico algorithms, and/or has population frequency not consistent with disease.

Breakthrough Genomics
Classification: Benign. Review status: criteria provided, single submitter. Criteria: ACMG Guidelines, 2015. Collection method: not provided. Allele origin: germline. Inheritance: Autosomal recessive inheritance. Affected: yes.

NM_018192.4(P3H2):c.507A>G (p.Glu169=)

Gene: P3H2 (prolyl 3-hydroxylase 2; minus strand). Cytogenetic location: 3q28.
Variant type: single nucleotide variant.
Coding change: c.507A>G on transcript NM_018192.4 (MANE Select); coding-DNA position 507, A replaced by G.
Protein change: p.Glu169=; no amino-acid change (glutamic acid 169 retained).
Molecular consequence: synonymous variant. On other transcripts: 5 prime UTR variant (1).
Genome position (GRCh38, 1-based): chr3:189,995,416, T>C on the plus strand (A>G on the coding strand, the complement: P3H2 is on the minus strand). VCF-style: chr3-189995416-T-C. GRCh37 (hg19) VCF-style: chr3-189713205-T-C.
Other names: c.-37A>G (NM_001134418.2).
Identifiers: ClinVar variation 677171 (VCV000677171.12), dbSNP rs9821880, ClinGen allele CA2753323.